The following is an entry in ClinVar:

ClinVar aggregate classification (germline): Likely pathogenic (1 of 4 stars; one submission).

Conditions:
Nemaline myopathy 2 (NEM2). Also called: Nemaline myopathy 2, autosomal recessive. Identifiers: MedGen C1850569, MONDO:0009725, OMIM 256030.

Submission:

Myriad Genetics, Inc.
Classification: Likely pathogenic for Nemaline myopathy 2. Last evaluated: 2022-02-19. Review status: criteria provided, single submitter. Criteria: Myriad Women's Health Autosomal Recessive and X-Linked Classification Criteria (2021). Collection method: clinical testing. Allele origin: unknown.
Comment: NM_001271208.1(NEB):c.4999delC(H1667Tfs*22) is expected to be pathogenic in the context of NEB-related nemaline myopathy. This variant is predicted to lead to an abnormal or absent protein product due to the creation of a premature termination codon in NEB, a gene where loss-of-function variants are known to be pathogenic. Please note: this variant was assessed in the context of healthy population screening.

NM_001164508.2(NEB):c.4999del (p.His1667fs)

Gene: NEB (nebulin; minus strand). Cytogenetic location: 2q23.3.
Variant type: Deletion.
Coding change: c.4999del on transcript NM_001164508.2 (MANE Select); coding-DNA position 4999, one base deleted (C; older notation c.4999delC).
Protein change: p.His1667fs; shifts the reading frame from histidine 1667.
Molecular consequence: frameshift variant.
Genome position (GRCh38, 1-based): chr2:151,666,122, G deleted on the plus strand (C on the coding strand, the reverse complement: NEB is on the minus strand). VCF-style (leftmost placement, unchanged base first): chr2-151666121-TG-T. GRCh37 (hg19) VCF-style: chr2-152522635-TG-T.
Other names: c.4999del, p.His1667fs (NM_001164507.2, NM_001271208.2, NM_004543.5); short protein forms H1667fs.
Identifiers: ClinVar variation 1724528 (VCV001724528.2), dbSNP rs2552258179, ClinGen allele CA2580064088.